The following is an entry in ClinVar:

NM_001903.5(CTNNA1):c.2651G>A (p.Arg884Gln)

Gene: CTNNA1 (catenin alpha 1; plus strand). Cytogenetic location: 5q31.2.
Variant type: single nucleotide variant.
Coding change: c.2651G>A on transcript NM_001903.5 (MANE Select); coding-DNA position 2651, G replaced by A.
Protein change: p.Arg884Gln; replaces arginine 884 with glutamine.
Molecular consequence: missense variant. On other transcripts: 3 prime UTR variant (5).
Genome position (GRCh38, 1-based): chr5:138,934,019, G>A. VCF-style: chr5-138934019-G-A. GRCh37 (hg19) VCF-style: chr5-138269708-G-A.
Other names: c.*196G>A (NM_001290307.3, NM_001324002.1, NM_001324003.1 and 2 more transcripts); c.2342G>A, p.Arg781Gln (NM_001290309.3); c.2282G>A, p.Arg761Gln (NM_001290310.3); c.1541G>A, p.Arg514Gln (NM_001290312.1, NM_001323987.1, NM_001323988.1 and 12 more transcripts); c.2651G>A, p.Arg884Gln (NM_001323982.2, NM_001323983.1, NM_001323984.2); c.2624G>A, p.Arg875Gln (NM_001323985.2); c.2558G>A, p.Arg853Gln (NM_001323986.2); c.1406G>A, p.Arg469Gln (NM_001324001.1); and 4 more; short protein forms R401Q, R433Q, R469Q, R483Q, R514Q, R761Q, R781Q, R853Q.
Identifiers: ClinVar variation 2681002 (VCV002681002.5), dbSNP rs1451142725, ClinGen allele CA361135692.
Genomic context (GRCh38, chr5:138,934,019, plus strand): 5'-CAGAGAAAAAGCCATTGGTGAAGAGAGAGAAACAGGATGAGACACAGACCAAGATTAAAC[G>A]GGCATCTCAGAAGAAGCACGTGAACCCGGTGCAGGCCCTCAGCGAGTTCAAAGCTATGGA-3'
Protein context (NP_001894.2, residues 874-894): KQDETQTKIK[Arg884Gln]ASQKKHVNPV

ClinVar aggregate classification (germline): Uncertain significance. Review status: criteria provided, multiple submitters, no conflicts (2 of 4 stars). 3 submissions from 3 submitters: Uncertain significance (3). Last evaluated 2025-12-17.

Conditions:
Hereditary cancer-predisposing syndrome. Also called: Neoplastic Syndromes, Hereditary; Hereditary neoplastic syndrome; Tumor predisposition; Hereditary Cancer Syndrome. Identifiers: Orphanet 140162, MedGen C0027672, MeSH D009386, MONDO:0015356.
Patterned macular dystrophy 2. Identifiers: Orphanet 99001, MedGen C1837029, MONDO:0012162, OMIM 608970.

Allele frequency attached by ClinVar (database versions not stated): gnomAD exomes below 0.00001.
gnomAD v4.1: 4 of 1,614,014 alleles (0.00025%); highest among the groups gnomAD compares: East Asian, 0.0022%; no homozygotes.

Submissions (3):

Labcorp Genetics (formerly Invitae), Labcorp
Classification: Uncertain significance. Last evaluated: 2025-12-17. Review status: criteria provided, single submitter. Criteria: Invitae Variant Classification Sherloc (09022015). Collection method: clinical testing. Allele origin: germline.
Comment: This sequence change replaces arginine, which is basic and polar, with glutamine, which is neutral and polar, at codon 884 of the CTNNA1 protein (p.Arg884Gln). The frequency data for this variant in the population databases is considered unreliable, as metrics indicate poor data quality at this position in the gnomAD database. This variant has not been reported in the literature in individuals affected with CTNNA1-related conditions. ClinVar contains an entry for this variant (Variation ID: 2681002). Invitae Evidence Modeling of protein sequence and biophysical properties (such as structural, functional, and spatial information, amino acid conservation, physicochemical variation, residue mobility, and thermodynamic stability) indicates that this missense variant is not expected to disrupt CTNNA1 protein function with a negative predictive value of 80%. In summary, the available evidence is currently insufficient to determine the role of this variant in disease. Therefore, it has been classified as a Variant of Uncertain Significance.

Ambry Genetics
Classification: Uncertain significance for Hereditary cancer-predisposing syndrome. Last evaluated: 2024-02-11. Review status: criteria provided, single submitter. Criteria: Ambry Variant Classification Scheme 2023. Collection method: clinical testing. Allele origin: germline.
Comment: The p.R884Q variant (also known as c.2651G>A), located in coding exon 17 of the CTNNA1 gene, results from a G to A substitution at nucleotide position 2651. The arginine at codon 884 is replaced by glutamine, an amino acid with highly similar properties. This amino acid position is conserved. In addition, the in silico prediction for this alteration is inconclusive. Based on the available evidence, the clinical significance of this alteration remains unclear.

Baylor Genetics
Classification: Uncertain significance for Patterned macular dystrophy 2. Last evaluated: 2023-08-04. Review status: criteria provided, single submitter. Criteria: ACMG Guidelines, 2015. Collection method: clinical testing. Allele origin: unknown.